The following is an entry in ClinVar:

ClinVar aggregate classification (germline): Uncertain significance (1 of 4 stars; one submission).

Conditions:
Developmental and epileptic encephalopathy 94 (DEE94). Also called: CHD2-Related Neurodevelopmental Disorders; Epileptic encephalopathy, childhood-onset. Identifiers: Orphanet 1942, Orphanet 2382, MedGen C3809278, MONDO:0014150, OMIM 615369.

gnomAD v4.1: 3 of 1,613,072 alleles (0.00019%); highest among the groups gnomAD compares: Non-Finnish European, 0.00025%; no homozygotes.

Submission:

Labcorp Genetics (formerly Invitae), Labcorp
Classification: Uncertain significance for Developmental and epileptic encephalopathy 94. Last evaluated: 2024-12-22. Review status: criteria provided, single submitter. Criteria: Invitae Variant Classification Sherloc (09022015). Collection method: clinical testing. Allele origin: germline.
Comment: This sequence change replaces valine, which is neutral and non-polar, with leucine, which is neutral and non-polar, at codon 1128 of the CHD2 protein (p.Val1128Leu). The frequency data for this variant in the population databases is considered unreliable, as metrics indicate poor data quality at this position in the gnomAD database. This variant has not been reported in the literature in individuals affected with CHD2-related conditions. Invitae Evidence Modeling of protein sequence and biophysical properties (such as structural, functional, and spatial information, amino acid conservation, physicochemical variation, residue mobility, and thermodynamic stability) indicates that this missense variant is not expected to disrupt CHD2 protein function with a negative predictive value of 95%. In summary, the available evidence is currently insufficient to determine the role of this variant in disease. Therefore, it has been classified as a Variant of Uncertain Significance.

NM_001271.4(CHD2):c.3382G>T (p.Val1128Leu)

Gene: CHD2 (chromodomain helicase DNA binding protein 2; plus strand). Cytogenetic location: 15q26.1.
Variant type: single nucleotide variant.
Coding change: c.3382G>T on transcript NM_001271.4 (MANE Select); coding-DNA position 3382, G replaced by T.
Protein change: p.Val1128Leu; replaces valine 1128 with leucine.
Molecular consequence: missense variant.
Genome position (GRCh38, 1-based): chr15:92,985,642, G>T. VCF-style: chr15-92985642-G-T. GRCh37 (hg19) VCF-style: chr15-93528872-G-T.
Other names: short protein forms V1128L.
Identifiers: ClinVar variation 3685719 (VCV003685719.2).